The following is an entry in ClinVar:

NM_000414.4(HSD17B4):c.59-3T>G

Gene: HSD17B4 (hydroxysteroid 17-beta dehydrogenase 4; plus strand). Cytogenetic location: 5q23.1.
Variant type: single nucleotide variant.
Coding change: c.59-3T>G on transcript NM_000414.4 (MANE Select); 3 bases into the intron before coding-DNA position 59, T replaced by G.
Molecular consequence: intron variant.
Genome position (GRCh38, 1-based): chr5:119,456,312, T>G. VCF-style: chr5-119456312-T-G. GRCh37 (hg19) VCF-style: chr5-118792007-T-G.
Other names: c.-423-3T>G (NM_001374503.1); c.69-3T>G (NM_001199291.3); c.-287-3T>G (NM_001374499.1); c.-358-3T>G (NM_001374502.1); c.-480-3T>G (NM_001374500.1); c.-353-3T>G (NM_001374501.1, NM_001292028.2); c.-79-3T>G (NM_001292027.2); c.59-3T>G (NM_001374498.1, NM_001374497.1); and 1 more.
Identifiers: ClinVar variation 2140091 (VCV002140091.1), dbSNP rs2531495877, ClinGen allele CA2580072485.

ClinVar aggregate classification (germline): Uncertain significance (1 of 4 stars; one submission).

Conditions:
Perrault syndrome. Also called: Gonadal dysgenesis with auditory dysfunction, autosomal recessive inheritance. Identifiers: Orphanet 2855, MedGen C0685838, MONDO:0017312.
Bifunctional peroxisomal enzyme deficiency (DBIF). Also called: DBP DEFICIENCY; PBFE DEFICIENCY; D-bifunctional protein deficiency. Identifiers: Orphanet 300, MedGen C0342870, MONDO:0009855, OMIM 261515. Disease mechanism: loss of function.

Submission:

Labcorp Genetics (formerly Invitae), Labcorp
Classification: Uncertain significance for Perrault syndrome; Bifunctional peroxisomal enzyme deficiency. Last evaluated: 2021-12-24. Review status: criteria provided, single submitter. Criteria: Invitae Variant Classification Sherloc (09022015). Collection method: clinical testing. Allele origin: germline.
Comment: This sequence change falls in intron 1 of the HSD17B4 gene. It does not directly change the encoded amino acid sequence of the HSD17B4 protein. It affects a nucleotide within the consensus splice site. This variant is not present in population databases (gnomAD no frequency). This variant has not been reported in the literature in individuals affected with HSD17B4-related conditions. Variants that disrupt the consensus splice site are a relatively common cause of aberrant splicing (PMID: 17576681, 9536098). Algorithms developed to predict the effect of sequence changes on RNA splicing suggest that this variant may disrupt the consensus splice site. In summary, the available evidence is currently insufficient to determine the role of this variant in disease. Therefore, it has been classified as a Variant of Uncertain Significance.

Literature cited by the submitters: PubMed 17576681; PubMed 9536098.